The following is an entry in ClinVar:

NM_020975.6(RET):c.*1583G>A

Gene: RET (ret proto-oncogene; plus strand). Cytogenetic location: 10q11.21.
Variant type: single nucleotide variant.
Coding change: c.*1583G>A on transcript NM_020975.6 (MANE Select); 1583 bases downstream of the stop codon, G replaced by A.
Molecular consequence: 3 prime UTR variant.
Genome position (GRCh38, 1-based): chr10:43,129,852, G>A. VCF-style: chr10-43129852-G-A. GRCh37 (hg19) VCF-style: chr10-43625300-G-A.
Other names: c.*1583G>A (LRG_518t1).
Identifiers: ClinVar variation 299936 (VCV000299936.6), dbSNP rs192065891, ClinGen allele CA10635353.

ClinVar aggregate classification (germline): Benign/Likely benign. Review status: criteria provided, single submitter (1 of 4 stars). 4 submissions from 1 submitter: Benign (3); Likely benign (1). Last evaluated 2018-01-13.

Conditions:
Pheochromocytoma. Also called: MAX-Related Hereditary Paraganglioma-Pheochromocytoma Syndrome. Identifiers: Orphanet 29072, MedGen C0031511, MONDO:0008233, OMIM 171300, HP:0002666.
Multiple endocrine neoplasia. Identifiers: Orphanet 276161, MedGen C0027662, MONDO:0017169.
Renal hypodysplasia/aplasia 1 (RHDA1). Also called: RENAL APLASIA; HEREDITARY RENAL APLASIA. Identifiers: Orphanet 411709, MedGen C1619700, MONDO:0024519, OMIM 191830.
Hirschsprung disease, susceptibility to, 1 (HSCR1). Also called: RET-Related Hirschsprung Disease. Identifiers: Orphanet 388, MedGen C3888239, MONDO:0007723, OMIM 142623.

Allele frequency attached by ClinVar (database versions not stated): 1000 Genomes Project 30x 0.00094; 1000 Genomes Project 0.00120; TOPMed 0.00231; gnomAD 0.00295 and 0.00300; gnomAD exomes 0.00326.

Submissions (4):

Illumina Laboratory Services, Illumina
Classification: Benign for Hirschsprung disease, susceptibility to, 1. Last evaluated: 2018-01-13. Review status: criteria provided, single submitter. Criteria: ICSL Variant Classification Criteria 13 December 2019. Collection method: clinical testing. Allele origin: germline.
Comment: This variant was observed in the ICSL laboratory as part of a predisposition screen in an ostensibly healthy population. It had not been previously curated by ICSL or reported in the Human Gene Mutation Database (HGMD: prior to June 1st, 2018), and was therefore a candidate for classification through an automated scoring system. Utilizing variant allele frequency, disease prevalence and penetrance estimates, and inheritance mode, an automated score was calculated to assess if this variant is too frequent to cause the disease. Based on the score and internal cut-off values, a variant classified as benign is not then subjected to further curation. The score for this variant resulted in a classification of benign for this disease.

Illumina Laboratory Services, Illumina
Classification: Benign for Pheochromocytoma. Last evaluated: 2018-01-13. Review status: criteria provided, single submitter. Criteria: ICSL Variant Classification Criteria 13 December 2019. Collection method: clinical testing. Allele origin: germline.
Comment: the same text as in the submission from Illumina Laboratory Services, Illumina above.

Illumina Laboratory Services, Illumina
Classification: Benign for Multiple endocrine neoplasia. Last evaluated: 2018-01-13. Review status: criteria provided, single submitter. Criteria: ICSL Variant Classification Criteria 13 December 2019. Collection method: clinical testing. Allele origin: germline.
Comment: the same text as in the submission from Illumina Laboratory Services, Illumina above.

Illumina Laboratory Services, Illumina
Classification: Likely benign for Renal hypodysplasia/aplasia 1. Last evaluated: 2018-01-13. Review status: criteria provided, single submitter. Criteria: ICSL Variant Classification Criteria 13 December 2019. Collection method: clinical testing. Allele origin: germline.
Comment: This variant was observed in the ICSL laboratory as part of a predisposition screen in an ostensibly healthy population. It had not been previously curated by ICSL or reported in the Human Gene Mutation Database (HGMD: prior to June 1st, 2018), and was therefore a candidate for classification through an automated scoring system. Utilizing variant allele frequency, disease prevalence and penetrance estimates, and inheritance mode, an automated score was calculated to assess if this variant is too frequent to cause the disease. Based on the score and internal cut-off values, a variant classified as likely benign is not then subjected to further curation. The score for this variant resulted in a classification of likely benign for this disease.